The following is an entry in ClinVar:

ClinVar aggregate classification (germline): Benign (1 of 4 stars; one submission).

Conditions:
Amyotrophic lateral sclerosis type 21. Also called: VOCAL CORD AND PHARYNGEAL DYSFUNCTION WITH DISTAL MYOPATHY; MYOPATHY, DISTAL, 2. Identifiers: Orphanet 600, Orphanet 803, MedGen C3807521, MONDO:0011632, OMIM 606070.

Allele frequency attached by ClinVar (database versions not stated): TOPMed 0.51556; gnomAD 0.53822; gnomAD exomes 0.59645 and 0.64041; 1000 Genomes Project 30x 0.41896; 1000 Genomes Project 0.42033; ExAC 0.63249.

Submission:

Illumina Laboratory Services, Illumina
Classification: Benign for Amyotrophic lateral sclerosis type 21. Last evaluated: 2018-01-13. Review status: criteria provided, single submitter. Criteria: ICSL Variant Classification Criteria 13 December 2019. Collection method: clinical testing. Allele origin: germline.
Comment: This variant was observed in the ICSL laboratory as part of a predisposition screen in an ostensibly healthy population. It had not been previously curated by ICSL or reported in the Human Gene Mutation Database (HGMD: prior to June 1st, 2018), and was therefore a candidate for classification through an automated scoring system. Utilizing variant allele frequency, disease prevalence and penetrance estimates, and inheritance mode, an automated score was calculated to assess if this variant is too frequent to cause the disease. Based on the score and internal cut-off values, a variant classified as benign is not then subjected to further curation. The score for this variant resulted in a classification of benign for this disease.

NM_199189.2(MATR3):c.-610C>G

Gene: MATR3 (matrin 3; plus strand). Cytogenetic location: 5q31.2.
Variant type: single nucleotide variant.
Coding change: c.-610C>G on transcript NM_199189.2; 610 bases upstream of the start codon, C replaced by G.
Genome position (GRCh38, 1-based): chr5:139,273,920, C>G. VCF-style: chr5-139273920-C-G. GRCh37 (hg19) VCF-style: chr5-138609609-C-G.
Identifiers: ClinVar variation 351111 (VCV000351111.7), dbSNP rs11242456, ClinGen allele CA3432744.
Genomic context (GRCh38, chr5:139,273,920, plus strand): 5'-AGCAGCTGCGAACTATGCGCCCCTTCTACCCTTAAGAGATGGGATGGGAGTCCAACAAAC[C>G]CAGCCATTGCTCAGACCCCAGCCCTTCTCTCCTCTAAGAAGCAGGTTCACCTCTGCCACC-3'